The following is an entry in ClinVar:

NM_000138.5(FBN1):c.3373C>G (p.Arg1125Gly)

Gene: FBN1 (fibrillin 1; minus strand). Cytogenetic location: 15q21.1.
Variant type: single nucleotide variant.
Coding change: c.3373C>G on transcript NM_000138.5 (MANE Select); coding-DNA position 3373, C replaced by G.
Protein change: p.Arg1125Gly; replaces arginine 1125 with glycine.
Molecular consequence: missense variant.
Genome position (GRCh38, 1-based): chr15:48,487,402, G>C on the plus strand (C>G on the coding strand, the complement: FBN1 is on the minus strand). VCF-style: chr15-48487402-G-C. GRCh37 (hg19) VCF-style: chr15-48779599-G-C.
Other names: c.3373C>G, p.Arg1125Gly (NM_001406716.1); short protein forms R1125G.
Identifiers: ClinVar variation 4757828 (VCV004757828.1).
Genomic context (GRCh38, chr15:48,487,402, plus strand): 5'-GATGGCCAGGCGGGCATTCACAGCGGTAACTTCCCTCTGTGTTATGGCAAACACCACCTC[G>C]GCATAGGAGAGGATCTCTCTGACACTCATCAATATCTGCAAAATGGAAATGACCATGTTA-3'
Protein context (NP_000129.3, residues 1115-1135): DECQRDPLLC[Arg1125Gly]GGVCHNTEGS

ClinVar aggregate classification (germline): Uncertain significance (1 of 4 stars; one submission).

Conditions:
Familial thoracic aortic aneurysm and aortic dissection (TAAD). Also called: Thoracic aortic aneurysms and dissections. Identifiers: Orphanet 91387, MedGen C4707243, MONDO:0019625.

Submission:

Color Diagnostics, LLC DBA Color Health
Classification: Uncertain significance for Familial thoracic aortic aneurysm and aortic dissection. Last evaluated: 2025-08-30. Review status: criteria provided, single submitter. Criteria: ACMG Guidelines, 2015. Collection method: clinical testing. Allele origin: germline.
Comment: This missense variant replaces arginine with glycine at codon 1125 of the FBN1 protein. Computational prediction is inconclusive regarding the impact of this variant on protein structure and function. To our knowledge, functional studies have not been reported for this variant. This variant has not been reported in individuals affected with FBN1-related disorders in the literature. This variant has not been identified in the general population by the Genome Aggregation Database (gnomAD). The available evidence is insufficient to determine the role of this variant in disease conclusively. Therefore, this variant is classified as a Variant of Uncertain Significance.